The following is an entry in ClinVar:

NM_000180.4(GUCY2D):c.3044-7G>T

Gene: GUCY2D (guanylate cyclase 2D, retinal; plus strand). Cytogenetic location: 17p13.1.
Variant type: single nucleotide variant.
Coding change: c.3044-7G>T on transcript NM_000180.4 (MANE Select); 7 bases into the intron before coding-DNA position 3044, G replaced by T.
Molecular consequence: intron variant.
Genome position (GRCh38, 1-based): chr17:8,015,920, G>T. VCF-style: chr17-8015920-G-T. GRCh37 (hg19) VCF-style: chr17-7919238-G-T.
Identifiers: ClinVar variation 255478 (VCV000255478.14), dbSNP rs56348143, ClinGen allele CA8366302.
Genomic context (GRCh38, chr17:8,015,920, plus strand): 5'-AGACGGGGAGGTGGGAGGGGGACACGGGAGGTGAGTCCCGAGCTCACGGCGTCCCCCACC[G>T]CCACAGCTTACCGCATCCACGTGAACTTGAGCACTGTGGGGATTCTCCGTGCTCTGGACT-3'

ClinVar aggregate classification (germline): Benign. Review status: reviewed by expert panel (3 of 4 stars). 5 submissions from 5 submitters: Benign (1). 4 of the submissions do not count toward it. Last evaluated 2025-01-30.

Conditions:
GUCY2D-related recessive retinopathy. Also called: Recessive GUCY2D retinopathy. Identifiers: MedGen CN305603, MONDO:0100453.
Cone-rod dystrophy 6 (CORD6). Also called: RETINAL CONE DYSTROPHY 2; Cone dystrophy progressive. Identifiers: Orphanet 1872, MedGen C1866293, MONDO:0011143, OMIM 601777.
Leber congenital amaurosis 1 (LCA1). Also called: AMAUROSIS CONGENITA OF LEBER I; RETINAL BLINDNESS, CONGENITAL; Congenital absence of the rods and cones; Leber's congenital tapetoretinal degeneration; Leber's congenital tapetoretinal dysplasia. Identifiers: Orphanet 65, MedGen C2931258, MONDO:0008764, OMIM 204000.

Allele frequency attached by ClinVar (database versions not stated): 1000 Genomes Project 0.01118; 1000 Genomes Project 30x 0.01171; gnomAD 0.02739 and 0.02884; TOPMed 0.02765; ESP Exome Variant Server 0.03324; ExAC 0.03458.
gnomAD v4.1: 60,009 of 1,607,880 alleles (3.7%); highest among the groups gnomAD compares: Non-Finnish European, 4.5%; 1,363 homozygotes.

Submissions (5):

ClinGen Leber Congenital Amaurosis/early Onset Retinal Dystrophy Variant Curation Expert Panel, ClinGen
Classification: Benign for GUCY2D-related recessive retinopathy. Last evaluated: 2025-01-30. Review status: reviewed by expert panel. Criteria: ClinGen LCAeoRD ACMG Specifications GUCY2D V1.0.0. Collection method: curation. Allele origin: germline. Inheritance: Autosomal recessive inheritance.
Comment: The variant NM_000180.4(GUCY2D):c.3044-7G>T is located in intron 16. This variant is present in gnomAD v.4.1.0 at a Grpmax allele frequency of 0.04452, with 52,788 alleles / 1,177,142 total alleles in the European (non-Finnish) population, which is higher than the ClinGen LCA / eoRD VCEP BA1 threshold of >0.016 (BA1). This variant has been found in the homozygous state in >6 adult individuals in gnomAD (1363 individuals, gnomAD version 4.1.0; BS2). In addition, the splicing impact predictor SpliceAI gives a delta score of 0.04, which is below the ClinGen LCA / eoRD VCEP recommended threshold of ≥0.2 and does not strongly predict an impact on splicing (BP4). In summary, this variant meets the criteria to be classified as Benign for GUCY2D-related recessive retinopathy based on the ACMG/AMP criteria applied, as specified by the ClinGen LCA/eoRD VCEP: BA1, BP4. (VCEP specifications version 1.0.0; date of approval 01/22/2025).

Labcorp Genetics (formerly Invitae), Labcorp
Classification: Benign for Leber congenital amaurosis 1; Cone-rod dystrophy 6. Last evaluated: 2026-02-04. Review status: criteria provided, single submitter. Criteria: Invitae Variant Classification Sherloc (09022015). Collection method: clinical testing. Allele origin: germline. Not counted in ClinVar's aggregate classification.

GeneDx
Classification: Benign. Last evaluated: 2018-11-19. Review status: criteria provided, single submitter. Criteria: GeneDx Variant Classification Process June 2021. Collection method: clinical testing. Allele origin: germline. Affected: yes. Not counted in ClinVar's aggregate classification.

Breakthrough Genomics
Classification: Benign. Review status: criteria provided, single submitter. Criteria: ACMG Guidelines, 2015. Collection method: not provided. Allele origin: germline. Inheritance: Autosomal recessive inheritance. Affected: yes. Not counted in ClinVar's aggregate classification.

PreventionGenetics, part of Exact Sciences
Classification: Benign. Review status: criteria provided, single submitter. Criteria: ACMG Guidelines, 2015. Collection method: clinical testing. Allele origin: germline. Not counted in ClinVar's aggregate classification.